The following is an entry in ClinVar:

NM_025137.4(SPG11):c.6585+2T>G

Gene: SPG11 (SPG11 vesicle trafficking associated, spatacsin; minus strand). Cytogenetic location: 15q21.1.
Variant type: single nucleotide variant.
Coding change: c.6585+2T>G on transcript NM_025137.4 (MANE Select); the canonical splice donor site of the intron after coding-DNA position 6585, T replaced by G.
Molecular consequence: splice donor variant.
Genome position (GRCh38, 1-based): chr15:44,569,396, A>C on the plus strand (T>G on the coding strand, the complement: SPG11 is on the minus strand). VCF-style: chr15-44569396-A-C. GRCh37 (hg19) VCF-style: chr15-44861594-A-C.
Other names: c.6441+2T>G (NM_001411132.1); c.6246+2T>G (NM_001160227.2).
Identifiers: ClinVar variation 1497585 (VCV001497585.6), dbSNP rs2140920796, ClinGen allele CA392215638.

ClinVar aggregate classification (germline): Likely pathogenic (1 of 4 stars; one submission).

Conditions:
Hereditary spastic paraplegia 11. Also called: SPASTIC PARAPLEGIA, AUTOSOMAL RECESSIVE, COMPLICATED, WITH THIN CORPUS CALLOSUM; SPASTIC PARAPLEGIA, AUTOSOMAL RECESSIVE, WITH MENTAL IMPAIRMENT AND THIN CORPUS CALLOSUM; Spastic paraplegia, mental retardation and thin corpus callosum; Nakamura Osame syndrome; Autosomal recessive hereditary spastic paraplegia, mental impairment, and thin corpus callosum; Spastic Paraplegia 11. Identifiers: Orphanet 2822, MedGen C1858479, MONDO:0011445, OMIM 604360.

Submission:

Labcorp Genetics (formerly Invitae), Labcorp
Classification: Likely pathogenic for Hereditary spastic paraplegia 11. Last evaluated: 2021-09-22. Review status: criteria provided, single submitter. Criteria: Invitae Variant Classification Sherloc (09022015). Collection method: clinical testing. Allele origin: germline.
Comment: This sequence change affects a donor splice site in intron 35 of the SPG11 gene. It is expected to disrupt RNA splicing. Variants that disrupt the donor or acceptor splice site typically lead to a loss of protein function (PMID: 16199547), and loss-of-function variants in SPG11 are known to be pathogenic (PMID: 19105190, 20110243, 22154821, 26556829). This variant is not present in population databases (ExAC no frequency). This variant has not been reported in the literature in individuals affected with SPG11-related conditions. Algorithms developed to predict the effect of sequence changes on RNA splicing suggest that this variant may disrupt the consensus splice site. In summary, the currently available evidence indicates that the variant is pathogenic, but additional data are needed to prove that conclusively. Therefore, this variant has been classified as Likely Pathogenic.

Literature cited by the submitters: PubMed 16199547; PubMed 19105190; PubMed 20110243; PubMed 22154821; PubMed 26556829.